The following is an entry in ClinVar:

NM_000090.4(COL3A1):c.3009G>T (p.Leu1003=)

Gene: COL3A1 (collagen type III alpha 1 chain; plus strand). Cytogenetic location: 2q32.2.
Variant type: single nucleotide variant.
Coding change: c.3009G>T on transcript NM_000090.4 (MANE Select); coding-DNA position 3009, G replaced by T.
Protein change: p.Leu1003=; no amino-acid change (leucine 1003 retained).
Molecular consequence: synonymous variant.
Genome position (GRCh38, 1-based): chr2:189,005,427, G>T. VCF-style: chr2-189005427-G-T. GRCh37 (hg19) VCF-style: chr2-189870153-G-T.
Identifiers: ClinVar variation 509303 (VCV000509303.7), dbSNP rs762167409, ClinGen allele CA075773.

ClinVar aggregate classification (germline): Likely benign. Review status: criteria provided, multiple submitters, no conflicts (2 of 4 stars). 4 submissions from 4 submitters: Likely benign (4). Last evaluated 2025-09-05.

Conditions:
Familial thoracic aortic aneurysm and aortic dissection (TAAD). Also called: Thoracic aortic aneurysms and dissections. Identifiers: Orphanet 91387, MedGen C4707243, MONDO:0019625.
Ehlers-Danlos syndrome, type 4 (EDSVASC). Also called: Ehlers-Danlos syndrome vascular type; Ehlers Danlos syndrome, ecchymotic type; Ehlers Danlos syndrome, arterial type; Ehlers Danlos syndrome, Sack-Barabas type; Ehlers-Danlos Syndrome Type IV. Identifiers: Orphanet 286, MedGen C0268338, MONDO:0017314, OMIM 130050.

Allele frequency attached by ClinVar (database versions not stated): gnomAD exomes below 0.00001 and 0.00001; ExAC 0.00001.
gnomAD v4.1: 11 of 1,614,092 alleles (0.00068%); highest among the groups gnomAD compares: Non-Finnish European, 0.00076%; no homozygotes.

Submissions (4):

Labcorp Genetics (formerly Invitae), Labcorp
Classification: Likely benign for Ehlers-Danlos syndrome, type 4. Last evaluated: 2025-09-05. Review status: criteria provided, single submitter. Criteria: Invitae Variant Classification Sherloc (09022015). Collection method: clinical testing. Allele origin: germline.

Blueprint Genetics
Classification: Likely benign. Last evaluated: 2024-11-13. Review status: criteria provided, single submitter. Criteria: ACMG Guidelines, 2015. Collection method: clinical testing. Allele origin: germline.

Color Diagnostics, LLC DBA Color Health
Classification: Likely benign for Familial thoracic aortic aneurysm and aortic dissection. Last evaluated: 2019-06-03. Review status: criteria provided, single submitter. Criteria: ACMG Guidelines, 2015. Collection method: clinical testing. Allele origin: germline.

GeneDx
Classification: Likely benign. Last evaluated: 2017-05-04. Review status: criteria provided, single submitter. Criteria: GeneDx Variant Classification (06012015). Collection method: clinical testing. Allele origin: germline. Affected: yes.
Comment: This variant is considered likely benign or benign based on one or more of the following criteria: it is a conservative change, it occurs at a poorly conserved position in the protein, it is predicted to be benign by multiple in silico algorithms, and/or has population frequency not consistent with disease.